The following is an entry in ClinVar:

ClinVar aggregate classification (germline): Uncertain significance. Review status: criteria provided, multiple submitters, no conflicts (2 of 4 stars). 2 submissions from 2 submitters: Uncertain significance (2). Last evaluated 2025-07-10.

Conditions:
Cardiomyopathy (CMYO). Also called: Cardiomyopathies. Identifiers: Orphanet 167848, MedGen C0878544, MONDO:0004994, HP:0001638. Inheritance: Various modes of inheritance.
Hypertrophic cardiomyopathy. Also called: HYPERTROPHIC MYOCARDIOPATHY. Identifiers: Orphanet 217569, MedGen C0007194, MeSH D002312, MONDO:0005045, HP:0001639.

Submissions (2):

Color Diagnostics, LLC DBA Color Health
Classification: Uncertain significance for Cardiomyopathy. Last evaluated: 2025-07-10. Review status: criteria provided, single submitter. Criteria: ACMG Guidelines, 2015. Collection method: clinical testing. Allele origin: germline.
Comment: This missense variant replaces alanine with threonine at codon 1454 of the MYH7 protein. Computational prediction is inconclusive regarding the impact of this variant on protein structure and function. To our knowledge, functional studies have not been reported for this variant. This variant has been reported in an individual affected with hypertrophic cardiomyopathy (PMID: 15856146). This variant has not been identified in the general population by the Genome Aggregation Database (gnomAD). The available evidence is insufficient to determine the role of this variant in disease conclusively. Therefore, this variant is classified as a Variant of Uncertain Significance.

Labcorp Genetics (formerly Invitae), Labcorp
Classification: Uncertain significance for Hypertrophic cardiomyopathy. Last evaluated: 2024-09-17. Review status: criteria provided, single submitter. Criteria: Invitae Variant Classification Sherloc (09022015). Collection method: clinical testing. Allele origin: germline.
Comment: This sequence change replaces alanine, which is neutral and non-polar, with threonine, which is neutral and polar, at codon 1454 of the MYH7 protein (p.Ala1454Thr). This variant is not present in population databases (gnomAD no frequency). This missense change has been observed in individual(s) with hypertrophic cardiomyopathy (PMID: 15856146). ClinVar contains an entry for this variant (Variation ID: 924270). Invitae Evidence Modeling of protein sequence and biophysical properties (such as structural, functional, and spatial information, amino acid conservation, physicochemical variation, residue mobility, and thermodynamic stability) indicates that this missense variant is expected to disrupt MYH7 protein function with a positive predictive value of 95%. In summary, the available evidence is currently insufficient to determine the role of this variant in disease. Therefore, it has been classified as a Variant of Uncertain Significance.

Literature cited by the submitters: PubMed 15856146 (cited by Color Diagnostics, LLC DBA Color Health and Labcorp Genetics (formerly Invitae), Labcorp).

NM_000257.4(MYH7):c.4360G>A (p.Ala1454Thr)

Genes: MHRT (myosin heavy chain associated RNA transcript; plus strand), MYH7 (myosin heavy chain 7; minus strand). Cytogenetic location: 14q11.2.
Variant type: single nucleotide variant.
Coding change: c.4360G>A on transcript NM_000257.4 (MANE Select); coding-DNA position 4360, G replaced by A.
Protein change: p.Ala1454Thr; replaces alanine 1454 with threonine.
Molecular consequence: missense variant. On other transcripts: non-coding transcript variant (1).
Genome position (GRCh38, 1-based): chr14:23,417,312, C>T on the plus strand (G>A on the coding strand, the complement: MYH7 is on the minus strand). VCF-style: chr14-23417312-C-T. GRCh37 (hg19) VCF-style: chr14-23886521-C-T.
Other names: short protein forms A1454T.
Identifiers: ClinVar variation 924270 (VCV000924270.5), dbSNP rs1358268382, ClinGen allele CA389038924.
Genomic context (GRCh38, chr14:23,417,312, plus strand): 5'-CCTCCTTCTGCGAGGACTCCAGCTCCGACTGCGACTCCTCATACTTCTGCTTCCACTCGG[C>T]CAGGATCTGCCCGGGGACAAGGCTCACTCTTCAGCCCCCCAGCCTCAGCCCCATGTCCAG-3'
Protein context (NP_000248.2, residues 1444-1464): KKQRNFDKIL[Ala1454Thr]EWKQKYEESQ